The following is an entry in ClinVar:

NM_172107.4(KCNQ2):c.691-3C>G

Gene: KCNQ2 (potassium voltage-gated channel subfamily Q member 2; minus strand). Cytogenetic location: 20q13.33.
Variant type: single nucleotide variant.
Coding change: c.691-3C>G on transcript NM_172107.4 (MANE Select); 3 bases into the intron before coding-DNA position 691, C replaced by G.
Molecular consequence: intron variant.
Genome position (GRCh38, 1-based): chr20:63,442,534, G>C on the plus strand (C>G on the coding strand, the complement: KCNQ2 is on the minus strand). VCF-style: chr20-63442534-G-C. GRCh37 (hg19) VCF-style: chr20-62073887-G-C.
Other names: c.691-3C>G (NM_004518.6, NM_172108.5, NM_172106.3 and 1 more transcripts).
Identifiers: ClinVar variation 861097 (VCV000861097.11), dbSNP rs768834593, ClinGen allele CA916083763.

ClinVar aggregate classification (germline): Uncertain significance. Review status: criteria provided, multiple submitters, no conflicts (2 of 4 stars). 2 submissions from 2 submitters: Uncertain significance (2). Last evaluated 2025-05-27.

Conditions:
Early-infantile DEE. Also called: Early infantile epileptic encephalopathy; Early infantile epileptic encephalopathy with suppression bursts; Ohtahara syndrome. Identifiers: Orphanet 1934, MedGen C0393706, MONDO:0800491.

Submissions (2):

GeneDx
Classification: Uncertain significance. Last evaluated: 2025-05-27. Review status: criteria provided, single submitter. Criteria: GeneDx Variant Classification Process June 2021. Collection method: clinical testing. Allele origin: germline. Affected: yes.
Comment: Not observed at significant frequency in large population cohorts (gnomAD); In silico analysis supports a deleterious effect on splicing; Has not been previously published as pathogenic or benign to our knowledge

Labcorp Genetics (formerly Invitae), Labcorp
Classification: Uncertain significance for Early-infantile DEE. Last evaluated: 2023-09-15. Review status: criteria provided, single submitter. Criteria: Invitae Variant Classification Sherloc (09022015). Collection method: clinical testing. Allele origin: germline.
Comment: This sequence change falls in intron 4 of the KCNQ2 gene. It does not directly change the encoded amino acid sequence of the KCNQ2 protein. It affects a nucleotide within the consensus splice site. In summary, the available evidence is currently insufficient to determine the role of this variant in disease. Therefore, it has been classified as a Variant of Uncertain Significance. Variants that disrupt the consensus splice site are a relatively common cause of aberrant splicing (PMID: 17576681, 9536098). Algorithms developed to predict the effect of sequence changes on RNA splicing suggest that this variant may disrupt the consensus splice site. ClinVar contains an entry for this variant (Variation ID: 861097). This variant has not been reported in the literature in individuals affected with KCNQ2-related conditions. This variant is not present in population databases (gnomAD no frequency).

Literature cited by the submitters: PubMed 17576681 (cited by Labcorp Genetics (formerly Invitae), Labcorp); PubMed 9536098 (cited by Labcorp Genetics (formerly Invitae), Labcorp).